The following is an entry in ClinVar:

NM_001122769.3(LCA5):c.190+1G>A

Gene: LCA5 (lebercilin LCA5; minus strand). Cytogenetic location: 6q14.1.
Variant type: single nucleotide variant.
Coding change: c.190+1G>A on transcript NM_001122769.3 (MANE Select); the canonical splice donor site of the intron after coding-DNA position 190, G replaced by A.
Molecular consequence: splice donor variant.
Genome position (GRCh38, 1-based): chr6:79,518,704, C>T on the plus strand (G>A on the coding strand, the complement: LCA5 is on the minus strand). VCF-style: chr6-79518704-C-T. GRCh37 (hg19) VCF-style: chr6-80228421-C-T.
Other names: c.190+1G>A (NM_181714.4).
Identifiers: ClinVar variation 639813 (VCV000639813.13), dbSNP rs746351112, ClinGen allele CA364631237.

ClinVar aggregate classification (germline): Pathogenic/Likely pathogenic. Review status: criteria provided, multiple submitters, no conflicts (2 of 4 stars). 3 submissions from 3 submitters: Pathogenic (1); Likely pathogenic (2). Last evaluated 2023-12-19.

Conditions:
LCA5-related disorder. Also called: LCA5-related condition.
Leber congenital amaurosis 5 (LCA5). Also called: Amaurosis congenita of Leber, type 5. Identifiers: Orphanet 65, MedGen C1858301, MONDO:0011473, OMIM 604537.

Allele frequency attached by ClinVar (database versions not stated): TOPMed 0.00002.

Submissions (3):

3billion
Classification: Pathogenic for Leber congenital amaurosis 5. Last evaluated: 2023-12-19. Review status: criteria provided, single submitter. Criteria: ACMG Guidelines, 2015. Collection method: clinical testing. Allele origin: germline. Affected: yes.
Comment: The variant is not observed in the gnomAD v2.1.1 dataset. Predicted Consequence/Location: Canonical splice site: predicted to alter splicing and result in a loss or disruption of normal protein function. Multiple pathogenic loss-of-function variants are reported downstream of the variant. In silico tools predict the variant to alter splicing and produce an abnormal transcript [Splice AI: 0.99 (spliceogenicity >=0.2, non-spliceogenicity <0.1)]. The variant has been reported at least twice as pathogenic without evidence for the classification (ClinVar ID: VCV000639813). Therefore, this variant is classified as Pathogenic according to the recommendation of ACMG/AMP guideline.

Labcorp Genetics (formerly Invitae), Labcorp
Classification: Likely pathogenic. Last evaluated: 2023-04-17. Review status: criteria provided, single submitter. Criteria: Invitae Variant Classification Sherloc (09022015). Collection method: clinical testing. Allele origin: germline.
Comment: In summary, the currently available evidence indicates that the variant is pathogenic, but additional data are needed to prove that conclusively. Therefore, this variant has been classified as Likely Pathogenic. This sequence change affects a donor splice site in intron 3 of the LCA5 gene. It is expected to disrupt RNA splicing. Variants that disrupt the donor or acceptor splice site typically lead to a loss of protein function (PMID: 16199547), and loss-of-function variants in LCA5 are known to be pathogenic (PMID: 17546029, 23946133). Disruption of this splice site has been observed in individual(s) with Leber congenital amaurosis (Invitae). This variant is not present in population databases (gnomAD no frequency). Algorithms developed to predict the effect of sequence changes on RNA splicing suggest that this variant may disrupt the consensus splice site. ClinVar contains an entry for this variant (Variation ID: 639813).

Blueprint Genetics
Classification: Likely pathogenic for LCA5-related disorders. Last evaluated: 2022-10-26. Review status: criteria provided, single submitter. Criteria: ACMG Guidelines, 2015. Collection method: clinical testing. Allele origin: germline. Affected: yes. Observed: 4 variant alleles.

Literature cited by the submitters: PubMed 16199547 (cited by Labcorp Genetics (formerly Invitae), Labcorp); PubMed 17546029 (cited by Labcorp Genetics (formerly Invitae), Labcorp); PubMed 23946133 (cited by Labcorp Genetics (formerly Invitae), Labcorp).